The following is an entry in ClinVar:

NM_006269.2(RP1):c.5486C>T (p.Pro1829Leu)

Genes: RP1 (RP1 axonemal microtubule associated; plus strand), LOC126860392 (CDK7 strongly-dependent group 2 enhancer GRCh37_chr8:55541319-55542518; plus strand). Cytogenetic location: 8q12.1.
Variant type: single nucleotide variant.
Coding change: c.5486C>T on transcript NM_006269.2 (MANE Select); coding-DNA position 5486, C replaced by T.
Protein change: p.Pro1829Leu; replaces proline 1829 with leucine.
Molecular consequence: missense variant. On other transcripts: intron variant (1).
Genome position (GRCh38, 1-based): chr8:54,629,368, C>T. VCF-style: chr8-54629368-C-T. GRCh37 (hg19) VCF-style: chr8-55541928-C-T.
Other names: c.787+7080C>T (NM_001375654.1); short protein forms P1829L.
Identifiers: ClinVar variation 4994360 (VCV004994360.1).

ClinVar aggregate classification (germline): Uncertain significance (1 of 4 stars; one submission).

Conditions:
RP1-related disorder. Also called: RP1-related condition.

Submission:

PreventionGenetics, part of Exact Sciences
Classification: Uncertain significance for RP1-related condition. Last evaluated: 2026-05-27. Review status: criteria provided, single submitter. Criteria: ACMG Guidelines, 2015. Collection method: clinical testing. Allele origin: germline.
Comment: The RP1 c.5486C>T variant is predicted to result in the amino acid substitution p.Pro1829Leu. To our knowledge, this variant has not been reported in the literature or in a large population database (gnomAD), indicating this variant is rare. At this time, the clinical significance of this variant is uncertain due to the absence of conclusive functional and genetic evidence.